The following is an entry in ClinVar:

ClinVar aggregate classification (germline): Pathogenic. Review status: criteria provided, multiple submitters, no conflicts (2 of 4 stars). 3 submissions from 3 submitters: Pathogenic (3). Last evaluated 2025-11-19.

Conditions:
POLG-related disorder. Also called: POLG-Related Spectrum Disorders; POLG-related condition; POLG-Related Disorders. Identifiers: MedGen C4763519.
Progressive sclerosing poliodystrophy (MTDPS4A). Also called: NEURONAL DEGENERATION OF CHILDHOOD WITH LIVER DISEASE, PROGRESSIVE; ALPERS PROGRESSIVE INFANTILE POLIODYSTROPHY; ALPERS DIFFUSE DEGENERATION OF CEREBRAL GRAY MATTER WITH HEPATIC CIRRHOSIS; Alpers-Huttenlocher Syndrome; Alpers Syndrome; Mitochondrial DNA depletion syndrome 4A (Alpers type). Identifiers: Orphanet 726, MedGen C0205710, MONDO:0008758, OMIM 203700.
Progressive external ophthalmoplegia with mitochondrial DNA deletions, autosomal dominant 1 (PEOA1). Also called: Autosomal Dominant Progressive External Ophthalmoplegia (adPEO); PROGRESSIVE EXTERNAL OPHTHALMOPLEGIA, AUTOSOMAL DOMINANT 1. Identifiers: MedGen C1834846, MONDO:0024528, OMIM 157640.
Progressive external ophthalmoplegia with mitochondrial DNA deletions, autosomal recessive 1 (PEOB1). Also called: Autosomal Recessive Progressive External Ophthalmoplegia (arPEO); Progressive external ophthalmoplegia, autosomal recessive 1. Identifiers: Orphanet 254886, MedGen C4225153, MONDO:0009783, OMIM 258450.
Sensory ataxic neuropathy, dysarthria, and ophthalmoparesis (SANDO). Also called: Sensory ataxic neuropathy-dysarthria-ophthalmoparesis syndrome; Ataxia Neuropathy Spectrum (ANS); Epilepsy, progressive myoclonic, type 5; SENSORY ATAXIC NEUROPATHY WITH MITOCHONDRIAL DNA DELETIONS, AUTOSOMAL RECESSIVE. Identifiers: Orphanet 70595, MedGen C1843851, MONDO:0011835, OMIM 607459.
Mitochondrial DNA depletion syndrome 4b. Also called: Mitochondrial Neurogastrointestinal Encephalopathy Disease, POLG-Related; MNGIE, POLG-RELATED. Identifiers: Orphanet 298, MedGen C3150914, MONDO:0013350, OMIM 613662.

gnomAD v4.1: 2 of 1,614,190 alleles (0.00012%); highest among the groups gnomAD compares: Non-Finnish European, 0.000085%; no homozygotes.

Submissions (3):

Myriad Genetics, Inc.
Classification: Pathogenic for POLG-related disorder. Last evaluated: 2025-11-19. Review status: criteria provided, single submitter. Criteria: Myriad Autosomal Dominant, Autosomal Recessive and X-Linked Classification Criteria (2023). Collection method: clinical testing. Allele origin: unknown.
Comment: NM_002693.2(POLG):c.1356T>G(Y452*) is expected to be pathogenic in the context of POLG-related disorders. This variant is predicted to lead to an abnormal or absent protein product due to the creation of a premature termination codon in POLG, a gene where loss-of-function variants are known to be pathogenic. Please note: this variant was assessed in the context of healthy population screening.

Fulgent Genetics
Classification: Pathogenic for Progressive external ophthalmoplegia with mitochondrial DNA deletions, autosomal dominant 1; Progressive sclerosing poliodystrophy; Progressive external ophthalmoplegia with mitochondrial DNA deletions, autosomal recessive 1; Sensory ataxic neuropathy, dysarthria, and ophthalmoparesis; Mitochondrial DNA depletion syndrome 4b. Last evaluated: 2024-03-07. Review status: criteria provided, single submitter. Criteria: ACMG Guidelines, 2015. Collection method: clinical testing. Allele origin: germline.

Baylor Genetics
Classification: Pathogenic for Progressive sclerosing poliodystrophy. Last evaluated: 2024-02-20. Review status: criteria provided, single submitter. Criteria: ACMG Guidelines, 2015. Collection method: clinical testing. Allele origin: unknown.

NM_002693.3(POLG):c.1356T>G (p.Tyr452Ter)

Gene: POLG (DNA polymerase gamma, catalytic subunit; minus strand). Cytogenetic location: 15q26.1.
Variant type: single nucleotide variant.
Coding change: c.1356T>G on transcript NM_002693.3 (MANE Select); coding-DNA position 1356, T replaced by G.
Protein change: p.Tyr452Ter; replaces tyrosine 452 with a stop codon.
Molecular consequence: nonsense.
Genome position (GRCh38, 1-based): chr15:89,327,244, A>C on the plus strand (T>G on the coding strand, the complement: POLG is on the minus strand). VCF-style: chr15-89327244-A-C. GRCh37 (hg19) VCF-style: chr15-89870475-A-C.
Other names: c.1356T>G, p.Tyr452Ter (NM_001126131.2); short protein forms Y452*.
Identifiers: ClinVar variation 2677961 (VCV002677961.4), dbSNP rs3176179, ClinGen allele CA393762089.
Genomic context (GRCh38, chr15:89,327,244, plus strand): 5'-CTGGCAGGCATCATTGGCCAGATCCATCAACGACTTCTTCATCTCCCGCTGGAGCTCCTC[A>C]TAAGTGCCCTGTGCCTCTGCCAGGTAACGCTCCCAGTTCTGGTTGACAGGCAGGTAGGAG-3'